The following is an entry in ClinVar:

NM_000369.5(TSHR):c.1637G>A (p.Trp546Ter)

Genes: TSHR (thyroid stimulating hormone receptor; plus strand), TSHR-AS1 (TSHR antisense RNA 1; minus strand). Cytogenetic location: 14q31.1.
Variant type: single nucleotide variant.
Coding change: c.1637G>A on transcript NM_000369.5 (MANE Select); coding-DNA position 1637, G replaced by A.
Protein change: p.Trp546Ter; replaces tryptophan 546 with a stop codon.
Molecular consequence: nonsense.
Genome position (GRCh38, 1-based): chr14:81,143,695, G>A. VCF-style: chr14-81143695-G-A. GRCh37 (hg19) VCF-style: chr14-81610039-G-A.
Other names: c.1637G>A (NM_000369.3); short protein forms W546*.
Identifiers: ClinVar variation 6439 (VCV000006439.38), dbSNP rs121908866, ClinGen allele CA118218.
Genomic context (GRCh38, chr14:81,143,695, plus strand): 5'-CCATGCGCCTGGACCGGAAGATCCGCCTCAGGCACGCATGTGCCATCATGGTTGGGGGCT[G>A]GGTTTGCTGCTTCCTTCTCGCCCTGCTTCCTTTGGTGGGAATAAGTAGCTATGCCAAAGT-3'

ClinVar aggregate classification (germline): Pathogenic. Review status: criteria provided, multiple submitters, no conflicts (2 of 4 stars). 14 submissions from 14 submitters: Pathogenic (13). 1 of the submissions does not count toward it. Last evaluated 2026-07-02.

Conditions:
TSHR-related disorder. Also called: TSHR-related condition; TSHR-related disorders.
Inborn genetic diseases. Identifiers: MedGen C0950123, MeSH D030342.
Hypothyroidism due to TSH receptor mutations. Also called: HYPOTHYROIDISM DUE TO UNRESPONSIVENESS TO THYROTROPIN; HYPOTHYROIDISM, CONGENITAL, DUE TO TSH RESISTANCE; HYPOTHYROIDISM, NONAUTOIMMUNE; THYROID-STIMULATING HORMONE, RESISTANCE TO; TSH RESISTANCE; Hypothyroidism, congenital, nongoitrous, 1. Identifiers: Orphanet 90673, MedGen C3493776, MONDO:0010142, OMIM 275200.
Familial hyperthyroidism due to mutations in TSH receptor. Also called: TOXIC THYROID HYPERPLASIA, AUTOSOMAL DOMINANT; HYPERTHYROIDISM, CONGENITAL NONAUTOIMMUNE; HYPERTHYROIDISM, NONAUTOIMMUNE, AUTOSOMAL DOMINANT. Identifiers: Orphanet 424, MedGen C1836706, MONDO:0012203, OMIM 609152.
Familial gestational hyperthyroidism. Identifiers: Orphanet 99819, MedGen C1863959, MONDO:0011309, OMIM 603373.
Congenital hypothyroidism. Identifiers: Orphanet 442, MedGen C0010308, MONDO:0018612, HP:0000851.

Allele frequency attached by ClinVar (database versions not stated): ExAC 0.00010; gnomAD exomes 0.00011 and 0.00030; TOPMed 0.00015; gnomAD 0.00019 and 0.00021.
gnomAD v4.1: 452 of 1,614,084 alleles (0.028%); highest among the groups gnomAD compares: Non-Finnish European, 0.037%; no homozygotes.

Submissions (14):

PreventionGenetics, part of Exact Sciences
Classification: Pathogenic for TSHR-related condition. Last evaluated: 2026-07-02. Review status: criteria provided, single submitter. Criteria: ACMG Guidelines, 2015. Collection method: clinical testing. Allele origin: germline.
Comment: The TSHR c.1637G>A variant is predicted to result in premature protein termination (p.Trp546*). This variant has been reported in the homozygous and compound heterozygous states in individuals with congenital hypothyroidism and thyroid hormone resistance (Clifton-Bligh et al. 1997. PubMed ID: 9100579; Jordan et al. 2003. PubMed ID: 12629076; Park et al. 2004. PubMed ID: 14725684). A heterozygous carrier in one study was also found to have abnormal thyroid function (Park et al. 2004. PubMed ID: 14725684). At PreventionGenetics, this variant has been observed in trans with a likely pathogenic TSHR variant in two family members with congenital hypothyroidism. This variant is reported in 0.022% of alleles in individuals of European (Non-Finnish) descent in gnomAD. Nonsense variants in TSHR are expected to be pathogenic. This variant is interpreted as pathogenic.

Ambry Genetics
Classification: Pathogenic for Inborn genetic diseases. Last evaluated: 2025-12-17. Review status: criteria provided, single submitter. Criteria: Ambry Variant Classification Scheme 2023. Collection method: clinical testing. Allele origin: germline.
Comment: The c.1637G>A (p.W546*) alteration, located in exon 10 (coding exon 10) of the TSHR gene, consists of a G to A substitution at nucleotide position 1637. This changes the amino acid from a tryptophan (W) to a stop codon at amino acid position 546. Although biallelic loss of function alterations in TSHR have been associated with congenital nongoitrous hypothyroidism, haploinsufficiency for TSHR has not been established as a mechanism of disease for nonautoimmune hyperthyroidism. Based on the available evidence, the TSHR c.1637G>A (p.W546*) alteration is classified as pathogenic for autosomal recessive congenital nongoitrous hypothyroidism; however, it is unlikely to be causative of autosomal dominant nonautoimmune hyperthyroidism. Based on data from gnomAD, the A allele has an overall frequency of 0.01% (31/282748) total alleles studied. The highest observed frequency was 0.02% (28/129080) of European (non-Finnish) alleles. This variant has been identified in the homozygous state and/or in conjunction with other TSHR variant(s) in individual(s) with features consistent with congenital nongoitrous hypothyroidism; in at least one instance, the variants were identified in trans (Biebermann, 2012; Clifton-Bligh, 1997; Jordan, 2003; Park, 2004). Functional studies showed that cells transiently transfected with this mutation have nonfunctional TSH receptor with negligible membrane radioligand binding (Clifton-Bligh, 1997). Based on the available evidence, this alteration is classified as pathogenic.

GeneDx
Classification: Pathogenic. Last evaluated: 2025-11-13. Review status: criteria provided, single submitter. Criteria: GeneDx Variant Classification Process June 2021. Collection method: clinical testing. Allele origin: germline. Affected: yes.
Comment: Nonsense variant predicted to result in protein truncation, as the last 219 amino acids are lost, and other loss-of-function variants have been reported downstream in HGMD; Published functional studies demonstrate that this variant results in a nonfunctional protein, with negligible membrane radioligand binding (PMID: 9100579); This variant is associated with the following publications: (PMID: 14725684, 15863666, 12629076, 27637299, 30665703, 34308104, 29625052, 34200080, 34662886, 35177841, 8954020, 9100579, 36451132)

Cambridge Genomics Laboratory, East Genomic Laboratory Hub, NHS Genomic Medicine Service
Classification: Pathogenic for Congenital hypothyroidism. Last evaluated: 2025-06-17. Review status: criteria provided, single submitter. Criteria: ACGS Best Practice Guidelines for Variant Classification in Rare Disease 2020. Collection method: clinical testing. Allele origin: germline. Affected: yes.
Comment: PVS1_Strong,PS3_Supporting,PM2,PM3_Supporting,PP1_Moderate

Greenwood Genetic Center Diagnostic Laboratories, Greenwood Genetic Center
Classification: Pathogenic for TSHR-related disorder. Last evaluated: 2025-01-07. Review status: criteria provided, single submitter. Criteria: ACMG Guidelines, 2015. Collection method: clinical testing. Allele origin: germline. Affected: yes.
Comment: PVS1, PM2, PM3_Strong

Revvity Omics, Revvity
Classification: Pathogenic. Last evaluated: 2024-09-27. Review status: criteria provided, single submitter. Criteria: ACMG Guidelines, 2015. Collection method: clinical testing. Allele origin: germline.

Blueprint Genetics
Classification: Pathogenic for TSHR-related disorders. Last evaluated: 2024-06-14. Review status: criteria provided, single submitter. Criteria: ACMG Guidelines, 2015. Collection method: clinical testing. Allele origin: germline. Affected: yes. Observed: 5 variant alleles.

Fulgent Genetics
Classification: Pathogenic for Hypothyroidism due to TSH receptor mutations; Familial gestational hyperthyroidism; Familial hyperthyroidism due to mutations in TSH receptor. Last evaluated: 2024-04-29. Review status: criteria provided, single submitter. Criteria: ACMG Guidelines, 2015. Collection method: clinical testing. Allele origin: germline.

Labcorp Genetics (formerly Invitae), Labcorp
Classification: Pathogenic. Last evaluated: 2024-03-10. Review status: criteria provided, single submitter. Criteria: Invitae Variant Classification Sherloc (09022015). Collection method: clinical testing. Allele origin: germline.
Comment: This sequence change creates a premature translational stop signal (p.Trp546*) in the TSHR gene. While this is not anticipated to result in nonsense mediated decay, it is expected to disrupt the last 219 amino acid(s) of the TSHR protein. This variant is present in population databases (rs121908866, gnomAD 0.02%). This premature translational stop signal has been observed in individuals with thyroid-stimulating hormone (TSH) resistance and autosomal recessive congenital hypothyroidism (PMID: 8954020, 9100579, 12629076, 14725684). It has also been observed to segregate with disease in related individuals. ClinVar contains an entry for this variant (Variation ID: 6439). Algorithms developed to predict the effect of variants on protein structure and function are not available or were not evaluated for this variant. Experimental studies have shown that this premature translational stop signal affects TSHR function (PMID: 9100579). For these reasons, this variant has been classified as Pathogenic.

Women's Health and Genetics/Laboratory Corporation of America, LabCorp
Classification: Pathogenic for Hypothyroidism due to TSH receptor mutations. Last evaluated: 2024-01-18. Review status: criteria provided, single submitter. Criteria: LabCorp Variant Classification Summary - May 2015. Collection method: clinical testing. Allele origin: germline.
Comment: Variant summary: TSHR c.1637G>A (p.Trp546X) results in a premature termination codon, predicted to cause a truncation of the encoded protein or absence of the protein due to nonsense mediated decay, which are commonly known mechanisms for disease. The variant allele was found at a frequency of 0.00011 in 251346 control chromosomes. c.1637G>A has been reported in the literature in multiple individuals affected with Hypothyroidism Due To TSH Receptor Mutations (e.g. Jordan_2003, deRoux_1996, Clifton_Bligh_1997). These data indicate that the variant is very likely to be associated with disease. At least one publication reports experimental evidence evaluating an impact on protein function indicating reduced surface receptor expression and negligible binding activity(Clifton_Bligh_1997). The following publications have been ascertained in the context of this evaluation (PMID: 9100579, 12629076, 8954020). ClinVar contains an entry for this variant (Variation ID: 6439). Based on the evidence outlined above, the variant was classified as pathogenic.

Department of Pathology and Laboratory Medicine, Sinai Health System
Classification: Pathogenic for Hypothyroidism due to TSH receptor mutations. Last evaluated: 2022-07-04. Review status: criteria provided, single submitter. Criteria: ACMG Guidelines, 2015. Collection method: research. Allele origin: germline.

Genetic Services Laboratory, University of Chicago
Classification: Pathogenic. Last evaluated: 2018-09-10. Review status: criteria provided, single submitter. Criteria: ACMG Guidelines, 2015. Collection method: clinical testing. Allele origin: germline. Affected: yes.
Comment: DNA sequence analysis of the TSHR gene demonstrated a sequence change, c.1637G>A in exon 10, which results in the creation of a premature stop codon at amino acid position 546, p.Trp546*. This pathogenic sequence change is predicted to result in an abnormal transcript, which may be degraded, or may lead to the production of a truncated TSHR protein with potentially abnormal function. This sequence change has previously been described in the homozygous and compound heterozygous state in patients with congenital hypothyroidism (PMIDs: 12629076, 14725684). Functional studies have also demonstrated reduced expression of receptors on the cell surface and decreased binding affinity in cells transiently transfected with the p.Trp546* sequence change (PMID: 9100579).

Illumina Laboratory Services, Illumina
Classification: Pathogenic for Hypothyroidism due to TSH receptor mutations. Last evaluated: 2017-04-27. Review status: criteria provided, single submitter. Criteria: ICSL Variant Classification Criteria 09 May 2019. Collection method: clinical testing. Allele origin: germline.
Comment: The TSHR c.1637G>A (p.Trp546Ter) variant is a stop-gained variant that is predicted to result in a premature termination of the protein. The p.Trp546Ter variant has been reported in at least four studies in which it is found in a total of six patients with congenital hypothyroidism including in two in a homozygous state and in four in a compound heterozygous state, all with a second missense variant (de Roux et al. 1996; Clifton-Bligh et al. 1997; Jordan et al. 2003; Park et al. 2004). The p.Trp546Ter variant was found in two of 368 controls and is reported at a frequency of 0.00058 in the European-American population of the Exome Sequencing Project. Functional studies in COS-7 and JEG3 cells demonstrated reduced expression of receptors on the cell surface and decreased binding affinity in cells transiently transfected with the p.Trp546Ter variant (de Roux et al. 1996; Clifton-Bligh et al. 1997). Based on the collective evidence and the potential impact of stop-gained variants, the p.Trp546Ter variant is classified as pathogenic for congenital hypothyroidism. This variant was observed by ICSL as part of a predisposition screen in an ostensibly healthy population.

OMIM
Classification: Pathogenic for HYPOTHYROIDISM, CONGENITAL, NONGOITROUS, 1. Last evaluated: 2003-03-01. Review status: no assertion criteria provided. Collection method: literature only. Allele origin: germline. Not counted in ClinVar's aggregate classification.

Literature cited by the submitters: PubMed 9100579 (cited by 5 submitters); PubMed 12629076 (cited by 5 submitters); PubMed 14725684 (cited by 3 submitters); PubMed 17524032 (cited by Ambry Genetics); PubMed 22112806 (cited by Ambry Genetics); PubMed 8954020 (cited by 3 submitters).